The following is an entry in ClinVar:

ClinVar aggregate classification (germline): Uncertain significance (1 of 4 stars; one submission).

Conditions:
Hereditary hemorrhagic telangiectasia (HHT). Also called: ORW DISEASE; Osler Weber Rendu syndrome; OSLER-RENDU-WEBER DISEASE; Osler hemorrhagic telangiectasia syndrome. Identifiers: Orphanet 774, MedGen C0039445, MONDO:0019180. Disease mechanism: loss of function.

Submission:

Labcorp Genetics (formerly Invitae), Labcorp
Classification: Uncertain significance for Hereditary hemorrhagic telangiectasia. Last evaluated: 2024-12-02. Review status: criteria provided, single submitter. Criteria: Invitae Variant Classification Sherloc (09022015). Collection method: clinical testing. Allele origin: germline.
Comment: This sequence change falls in intron 8 of the ENG gene. It does not directly change the encoded amino acid sequence of the ENG protein. It affects a nucleotide within the consensus splice site. This variant is not present in population databases (gnomAD no frequency). This variant has not been reported in the literature in individuals affected with ENG-related conditions. Variants that disrupt the consensus splice site are a relatively common cause of aberrant splicing (PMID: 17576681, 9536098). Algorithms developed to predict the effect of sequence changes on RNA splicing suggest that this variant may disrupt the consensus splice site. In summary, the available evidence is currently insufficient to determine the role of this variant in disease. Therefore, it has been classified as a Variant of Uncertain Significance.

Literature cited by the submitters: PubMed 17576681; PubMed 9536098.

NM_001114753.3(ENG):c.1135-3C>G

Genes: ENG (endoglin; minus strand), LOC102723566 (uncharacterized LOC102723566; plus strand). Cytogenetic location: 9q34.11.
Variant type: single nucleotide variant.
Coding change: c.1135-3C>G on transcript NM_001114753.3 (MANE Select); 3 bases into the intron before coding-DNA position 1135, C replaced by G.
Molecular consequence: intron variant.
Genome position (GRCh38, 1-based): chr9:127,820,040, G>C on the plus strand (C>G on the coding strand, the complement: ENG is on the minus strand). VCF-style: chr9-127820040-G-C. GRCh37 (hg19) VCF-style: chr9-130582319-G-C.
Other names: c.1135-3C>G (NM_000118.4); c.589-3C>G (NM_001278138.2).
Identifiers: ClinVar variation 3726485 (VCV003726485.2).